The following is an entry in ClinVar:

NM_000104.4(CYP1B1):c.535del (p.Ala179fs)

Gene: CYP1B1 (cytochrome P450 family 1 subfamily B member 1; minus strand). Cytogenetic location: 2p22.2.
Variant type: Deletion.
Coding change: c.535del on transcript NM_000104.4 (MANE Select); coding-DNA position 535, one base deleted (G; older notation c.535delG).
Protein change: p.Ala179fs; shifts the reading frame from alanine 179.
Molecular consequence: frameshift variant.
Genome position (GRCh38, 1-based): chr2:38,074,854, C deleted on the plus strand (G on the coding strand, the reverse complement: CYP1B1 is on the minus strand); the first of 2 consecutive C bases (chr2:38,074,854-38,074,855); deleting either gives the same sequence. VCF-style (leftmost placement, unchanged base first): chr2-38074853-GC-G. GRCh37 (hg19) VCF-style: chr2-38301996-GC-G.
Other names: NM_000104.4(CYP1B1):c.535del; p.Ala179fs; c.535delG (NM_000104.4, NM_000104.3); short protein forms A179fs.
Identifiers: ClinVar variation 523943 (VCV000523943.28), dbSNP rs771076928, ClinGen allele CA1620014.

ClinVar aggregate classification (germline): Pathogenic. Review status: reviewed by expert panel (3 of 4 stars). 16 submissions from 15 submitters: Pathogenic (1). 15 of the submissions do not count toward it. Last evaluated 2025-11-19.

Conditions:
Anterior segment dysgenesis 6 (ASGD6). Also called: Anterior segment dysgenesis 6, multiple subtypes. Identifiers: MedGen C4310623, MONDO:0015016, OMIM 617315.
Primary congenital glaucoma. Also called: Primary congenital glaucoma (disease). Identifiers: MedGen C1533041, MONDO:0000365, HP:0008007.
CYP1B1-related glaucoma with or without anterior segment dysgenesis. Identifiers: MedGen CN375931, MONDO:0800472.
Congenital glaucoma. Identifiers: MedGen C0020302, MONDO:0020366.
CYP1B1-related disorder. Also called: CYP1B1-Related Disorders. Identifiers: MedGen CN239260.
Glaucoma 3A. Also called: Glaucoma 3, primary congenital, A. Identifiers: Orphanet 98976, Orphanet 98977, MedGen C1856439, MONDO:0009277, OMIM 231300.
Glaucoma 3, primary infantile, B. Also called: GLAUCOMA, PRIMARY CONGENITAL, TYPE B; GLC3B; GLC3 type B; Primary congenital glaucoma type 3B; Glaucoma primary congenita type 3B. Identifiers: Orphanet 98976, MedGen C1832977, MONDO:0010968, OMIM 600975.

Submissions 1 to 10 of 16:

ClinGen Glaucoma Variant Curation Expert Panel
Classification: Pathogenic for CYP1B1-related glaucoma with or without anterior segment dysgenesis. Last evaluated: 2025-11-19. Review status: reviewed by expert panel. Criteria: ClinGen CYP1B1 ACMG Specifications V1 Approved. Collection method: curation. Allele origin: germline. Inheritance: Autosomal recessive inheritance.
Comment: The c.535del variant in CYP1B1 is a deletion of a single nucleotide, predicted to encode a frameshift with consequent premature termination of the protein at codon 18 of the frameshift (p.Ala179ArgfsTer18). The highest minor allele frequency of this variant was in the Admixed American genetic ancestry group of gnomAD (v4.1.0) = 0.0001895 (10 alleles out of 52,762), which met the ≤ 0.0005 threshold set for PM2_Supporting in a genetic ancestry group of at least 2,000 alleles. This frameshift variant was predicted to undergo NMD, meeting PVS1. There was no functional evidence predicting a damaging or benign impact of this variant on CYP1B1 function. ≥3 affected segregations with a CYP1B1-related phenotype have been reported (PMID: 25826643), which fulfilled PP1_Strong. There were more family studies published than presented here. This variant has been identified in 5 individuals with a CYP1B1-related phenotype. 3 individuals are compound heterozygous for the variant and a pathogenic or likely pathogenic variant (confirmed in trans) and 2 are homozygous (non-consanguineous) for the variant (PMIDs: 19528825, 32832252, 25826643). Total proband points = 4, meeting PM3_Very strong. There were more cases published than presented here. 1 confirmed de novo proband with a CYP1B1-related phenotype has been identified (PMID: 32832252). Total proband points = 1, meeting PS2_Moderate. In summary, this variant met the criteria to receive a score of 23 and to be classified as pathogenic (pathogenic classification ≥ 10, adapted from PMID: 32720330) for CYP1B1-related glaucoma with or without anterior segment dysgenesis (ASD) based on the ACMG/AMP criteria met, as specified by the ClinGen Glaucoma VCEP (v1.0, 06.11.2025): PVS1, PM3_Very-strong, PP1_Strong, PS2_Moderate, PM2_Supporting

PreventionGenetics, part of Exact Sciences
Classification: Pathogenic for CYP1B1-related condition. Last evaluated: 2026-03-11. Review status: criteria provided, single submitter. Criteria: ACMG Guidelines, 2015. Collection method: clinical testing. Allele origin: germline. Not counted in ClinVar's aggregate classification.
Comment: The CYP1B1 c.535delG variant is predicted to result in a frameshift and premature protein termination (p.Ala179Argfs*18). This variant was reported in the homozygous or compound heterozygous state to be causative for primary congenital glaucoma (Bouyacoub et al. 2014. PubMed ID: 24942078; Cardoso et al. 2015. PubMed ID: 25952714; García-Antón et al. 2017. PubMed ID: 28448622). This variant is reported in 0.019% of alleles in individuals of Latino descent in gnomAD. Frameshift variants in CYP1B1 are expected to be pathogenic. This variant is interpreted as pathogenic.

Labcorp Genetics (formerly Invitae), Labcorp
Classification: Pathogenic for Congenital glaucoma. Last evaluated: 2026-01-21. Review status: criteria provided, single submitter. Criteria: Invitae Variant Classification Sherloc (09022015). Collection method: clinical testing. Allele origin: germline. Not counted in ClinVar's aggregate classification.
Comment: This sequence change creates a premature translational stop signal (p.Ala179Argfs*18) in the CYP1B1 gene. It is expected to result in an absent or disrupted protein product. Loss-of-function variants in CYP1B1 are known to be pathogenic (PMID: 9097971, 9497261, 19234632). This variant is present in population databases (rs771076928, gnomAD 0.02%). This premature translational stop signal has been observed in individuals with open-angle glaucoma, and primary congenital glaucoma (PMID: 12372064, 19234632, 23922489, 27272408, 27777502, 27820421). It has also been observed to segregate with disease in related individuals. This variant is also known as c.4339delG, c.906delG, c.534_535delG (p.Ala179ArgfsX16). ClinVar contains an entry for this variant (Variation ID: 523943). For these reasons, this variant has been classified as Pathogenic.

Dasa
Classification: Pathogenic. Last evaluated: 2026-01-14. Review status: criteria provided, single submitter. Criteria: DASA Assertion Criteria. Collection method: clinical testing. Allele origin: germline. Not counted in ClinVar's aggregate classification.
Comment: NM_000104.4(CYP1B1):c.535del (p.Ala179Argfs*18) introduces a premature termination codon predicted to result in loss of normal protein function. Loss-of-function is an established mechanism of disease for this gene. This variant has been recurrently observed in individuals with related phenotype (PMID: 12372064; PMID: 19234632; PMID: 23922489; PMID: 27272408; PMID: 27777502). Segregation evidence has been reported in affected families. The variant is present at low frequency in population datasets. Based on the available data, this variant is classified as pathogenic.

3billion
Classification: Pathogenic for Glaucoma 3A. Last evaluated: 2025-04-17. Review status: criteria provided, single submitter. Criteria: ACMG Guidelines, 2015. Collection method: clinical testing. Allele origin: germline. Affected: yes. Not counted in ClinVar's aggregate classification.
Comment: The variant is observed at an extremely low frequency in the gnomAD v4.1.0 dataset (total allele frequency: 0.005%). Predicted Consequence/Location:Frameshift: predicted to result in a loss or disruption of normal protein function through nonsense-mediated decay (NMD) or protein truncation. Multiple pathogenic variants are reported downstream of the variant. The variant has been reported at least twice as pathogenic with clinical assertions and evidence for the classification (ClinVar ID: VCV000523943 / PMID: 12372064 / 3billion dataset).Therefore, this variant is classified as Pathogenic according to the recommendation of ACMG/AMP guideline.

First Genomix Gene Laboratory, Genetic Diagnostics Department
Classification: Pathogenic for Glaucoma 3A; Anterior segment dysgenesis 6. Last evaluated: 2025-03-18. Review status: criteria provided, single submitter. Criteria: ACMG Guidelines, 2015. Collection method: clinical testing. Allele origin: germline. Inheritance: Autosomal recessive inheritance. Affected: no. Observed: 1 variant allele. Not counted in ClinVar's aggregate classification.

Women's Health and Genetics/Laboratory Corporation of America, LabCorp
Classification: Pathogenic for Primary congenital glaucoma. Last evaluated: 2024-09-10. Review status: criteria provided, single submitter. Criteria: LabCorp Variant Classification Summary - May 2015. Collection method: clinical testing. Allele origin: germline. Not counted in ClinVar's aggregate classification.
Comment: Variant summary: CYP1B1 c.535delG (p.Ala179ArgfsX18) results in a premature termination codon, predicted to cause a truncation of the encoded protein or absence of the protein due to nonsense mediated decay, which are commonly known mechanisms for disease. The variant allele was found at a frequency of 5.1e-05 in 156224 control chromosomes (gnomAD). c.535delG has been reported in the literature in at least an individual affected with Primary Congenital Glaucoma (example: Reis_2016). These data indicate that the variant may be associated with disease. The following publication has been ascertained in the context of this evaluation (PMID: 27272408). ClinVar contains an entry for this variant (Variation ID: 523943). Based on the evidence outlined above, the variant was classified as pathogenic.

Baylor Genetics
Classification: Pathogenic for Anterior segment dysgenesis 6. Last evaluated: 2024-03-20. Review status: criteria provided, single submitter. Criteria: ACMG Guidelines, 2015. Collection method: clinical testing. Allele origin: unknown. Not counted in ClinVar's aggregate classification.

Blueprint Genetics
Classification: Pathogenic for CYP1B1-related disorders. Last evaluated: 2023-12-28. Review status: criteria provided, single submitter. Criteria: ACMG Guidelines, 2015. Collection method: clinical testing. Allele origin: germline. Affected: yes. Observed: 5 variant alleles. Not counted in ClinVar's aggregate classification.

Revvity Omics, Revvity
Classification: Pathogenic. Last evaluated: 2023-06-02. Review status: criteria provided, single submitter. Criteria: ACMG Guidelines, 2015. Collection method: clinical testing. Allele origin: germline. Not counted in ClinVar's aggregate classification.